The following is an entry in ClinVar:

ClinVar aggregate classification (germline): Conflicting classifications of pathogenicity. Review status: criteria provided, conflicting classifications (1 of 4 stars). 5 submissions from 5 submitters: Uncertain significance (3); Likely benign (2). Last evaluated 2025-05-30.

Conditions:
Cardiovascular phenotype. Identifiers: MedGen CN230736.
Catecholaminergic polymorphic ventricular tachycardia 1. Also called: RYR2-Related Catecholaminergic Polymorphic Ventricular Tachycardia; VENTRICULAR TACHYCARDIA, CATECHOLAMINERGIC POLYMORPHIC, 1, WITH OR WITHOUT ATRIAL DYSFUNCTION AND/OR DILATED CARDIOMYOPATHY; VENTRICULAR TACHYCARDIA, STRESS-INDUCED POLYMORPHIC 1. Identifiers: Orphanet 3286, MedGen C1631597, MONDO:0011484, OMIM 604772.
Catecholaminergic polymorphic ventricular tachycardia (CVPT). Also called: Catecholamine-induced polymorphic ventricular tachycardia. Identifiers: Orphanet 3286, MedGen C5574922, MONDO:0017990.
Cardiomyopathy (CMYO). Also called: Cardiomyopathies. Identifiers: Orphanet 167848, MedGen C0878544, MONDO:0004994, HP:0001638. Inheritance: Various modes of inheritance.

Allele frequency attached by ClinVar (database versions not stated): gnomAD 0.00001 and 0.00003; gnomAD exomes 0.00001; TOPMed 0.00002.
gnomAD v4.1: 17 of 1,609,432 alleles (0.0011%); highest among the groups gnomAD compares: East Asian, 0.013%; no homozygotes.

Submissions (5):

Labcorp Genetics (formerly Invitae), Labcorp
Classification: Likely benign for Catecholaminergic polymorphic ventricular tachycardia 1. Last evaluated: 2025-05-30. Review status: criteria provided, single submitter. Criteria: Invitae Variant Classification Sherloc (09022015). Collection method: clinical testing. Allele origin: germline.

Ambry Genetics
Classification: Likely benign for Cardiovascular phenotype. Last evaluated: 2024-01-09. Review status: criteria provided, single submitter. Criteria: Ambry Variant Classification Scheme 2023. Collection method: clinical testing. Allele origin: germline.

All of Us Research Program, National Institutes of Health
Classification: Uncertain significance for Catecholaminergic polymorphic ventricular tachycardia. Last evaluated: 2023-12-13. Review status: criteria provided, single submitter. Criteria: ACMG Guidelines, 2015. Collection method: clinical testing. Allele origin: germline. Inheritance: Autosomal dominant inheritance. Observed: 1 variant allele, 1 heterozygote.
Comment: This missense variant replaces threonine with isoleucine at codon 3098 of the RYR2 protein. Computational prediction suggests that this variant may not impact protein structure and function (internally defined REVEL score threshold <= 0.5, PMID: 27666373). Splice site prediction tools suggest that this variant may not impact RNA splicing. To our knowledge, functional studies have not been performed for this variant. This variant has not been reported in individuals affected with cardiovascular disorders in the literature. This variant has been identified in 3/273568 chromosomes in the general population by the Genome Aggregation Database (gnomAD). The available evidence is insufficient to determine the role of this variant in disease conclusively. Therefore, this variant is classified as a Variant of Uncertain Significance.

This study involves interpretation of variants in research participants for the purpose of population health screening. Participant phenotype was not available at the time of variant classification. Additional details can be found in publication PMID: 35346344, PMCID: PMC8962531

Color Diagnostics, LLC DBA Color Health
Classification: Uncertain significance for Cardiomyopathy. Last evaluated: 2023-11-17. Review status: criteria provided, single submitter. Criteria: ACMG Guidelines, 2015. Collection method: clinical testing. Allele origin: germline.
Comment: This missense variant replaces threonine with isoleucine at codon 3098 of the RYR2 protein. Computational prediction suggests that this variant may not impact protein structure and function (internally defined REVEL score threshold <= 0.5, PMID: 27666373). To our knowledge, functional studies have not been reported for this variant. This variant has not been reported in individuals affected with RYR2-related disorders in the literature. This variant has been identified in 3/273568 chromosomes in the general population by the Genome Aggregation Database (gnomAD). The available evidence is insufficient to determine the role of this variant in disease conclusively. Therefore, this variant is classified as a Variant of Uncertain Significance.

Women's Health and Genetics/Laboratory Corporation of America, LabCorp
Classification: Uncertain significance. Last evaluated: 2016-09-06. Review status: criteria provided, single submitter. Criteria: LabCorp Variant Classification Summary - May 2015. Collection method: clinical testing. Allele origin: germline.
Comment: Variant summary: The RYR2 c.9293C>T (p.Thr3098Ile) variant involves the alteration of a conserved nucleotide. 3/4 in silico tools predict a damaging outcome for this variant (SNPs&GO not captured due to low reliability index). This variant is absent in 86360 control chromosomes. The variant of interest has not, to our knowledge, been reported in affected individuals via publications and/or reputable databases/clinical diagnostic laboratories; nor evaluated for functional impact by in vivo/vitro studies. Because of the absence of clinical information and the lack of functional studies, the variant is classified as a variant of uncertain significance (VUS) until additional information becomes available.

Literature cited by the submitters: PubMed 28404607 (cited by Ambry Genetics); PubMed 30993396 (cited by Ambry Genetics).

NM_001035.3(RYR2):c.9293C>T (p.Thr3098Ile)

Gene: RYR2 (ryanodine receptor 2; plus strand). Cytogenetic location: 1q43.
Variant type: single nucleotide variant.
Coding change: c.9293C>T on transcript NM_001035.3 (MANE Select); coding-DNA position 9293, C replaced by T.
Protein change: p.Thr3098Ile; replaces threonine 3098 with isoleucine.
Molecular consequence: missense variant.
Genome position (GRCh38, 1-based): chr1:237,700,393, C>T. VCF-style: chr1-237700393-C-T. GRCh37 (hg19) VCF-style: chr1-237863693-C-T.
Other names: c.9293C>T, p.Thr3098Ile (LRG_402t1); short protein forms T3098I.
Identifiers: ClinVar variation 496098 (VCV000496098.11), dbSNP rs1227241969, ClinGen allele CA345406100.